The following is an entry in ClinVar:

ClinVar aggregate classification (germline): Uncertain significance. Review status: criteria provided, multiple submitters, no conflicts (2 of 4 stars). 3 submissions from 3 submitters: Uncertain significance (3). Last evaluated 2026-08-06.

Conditions:
Charcot-Marie-Tooth disease recessive intermediate B. Also called: CHARCOT-MARIE-TOOTH NEUROPATHY, RECESSIVE INTERMEDIATE B. Identifiers: Orphanet 254334, MedGen C3150897, MONDO:0013338, OMIM 613641.

Allele frequency attached by ClinVar (database versions not stated): ExAC 0.00001.
gnomAD v4.1: 14 of 1,613,762 alleles (0.00087%); highest among the groups gnomAD compares: South Asian, 0.0077%; no homozygotes.

Submissions (3):

OLLIN Analises Genomicas, OLLIN
Classification: Uncertain significance for Charcot-Marie-Tooth disease recessive intermediate B. Last evaluated: 2026-08-06. Review status: criteria provided, single submitter. Criteria: ACMG Guidelines 2015 PMID 25741868. Collection method: clinical testing. Allele origin: germline. Inheritance: Autosomal recessive inheritance.
Comment: This missense variant, located in exon 2 (of 14), has been reported in ClinVar (accession VCV001682456.7) and in gnomAD with an allele frequency of 0.00087%. However, to our knowledge, it has not been reported in the scientific literature. In silico analysis predicts that this variant has a deleterious effect. According to the currently available evidence, this variant has been classified as uncertain significance (PM2_P, PP3).

Labcorp Genetics (formerly Invitae), Labcorp
Classification: Uncertain significance. Last evaluated: 2022-06-11. Review status: criteria provided, single submitter. Criteria: Invitae Variant Classification Sherloc (09022015). Collection method: clinical testing. Allele origin: germline.
Comment: Algorithms developed to predict the effect of missense changes on protein structure and function (SIFT, PolyPhen-2, Align-GVGD) all suggest that this variant is likely to be disruptive. In summary, the available evidence is currently insufficient to determine the role of this variant in disease. Therefore, it has been classified as a Variant of Uncertain Significance. This variant has not been reported in the literature in individuals affected with KARS-related conditions. This variant is present in population databases (rs748756102, gnomAD 0.003%). This sequence change replaces arginine, which is basic and polar, with cysteine, which is neutral and slightly polar, at codon 54 of the KARS protein (p.Arg54Cys).

Ambry Genetics
Classification: Uncertain significance. Last evaluated: 2021-04-17. Review status: criteria provided, single submitter. Criteria: Ambry Variant Classification Scheme 2023. Collection method: clinical testing. Allele origin: germline.
Comment: The c.160C>T (p.R54C) alteration is located in exon 3 (coding exon 2) of the KARS gene. This alteration results from a C to T substitution at nucleotide position 160, causing the arginine (R) at amino acid position 54 to be replaced by a cysteine (C). Based on data from the Genome Aggregation Database (gnomAD) database, the KARS c.160C>T alteration was observed in 0.0008% (2/251186) of total alleles studied, with a frequency of 0.0033% (1/30612) in the South Asian subpopulation. This amino acid position is highly conserved in available vertebrate species. The in silico prediction for the p.R54C alteration is inconclusive. Based on insufficient or conflicting evidence, the clinical significance of this alteration remains unclear.

NM_005548.3(KARS1):c.76C>T (p.Arg26Cys)

Gene: KARS1 (lysyl-tRNA synthetase 1; minus strand). Cytogenetic location: 16q23.1.
Variant type: single nucleotide variant.
Coding change: c.76C>T on transcript NM_005548.3 (MANE Select); coding-DNA position 76, C replaced by T.
Protein change: p.Arg26Cys; replaces arginine 26 with cysteine.
Molecular consequence: missense variant. On other transcripts: 5 prime UTR variant (1).
Genome position (GRCh38, 1-based): chr16:75,641,710, G>A on the plus strand (C>T on the coding strand, the complement: KARS1 is on the minus strand). VCF-style: chr16-75641710-G-A. GRCh37 (hg19) VCF-style: chr16-75675608-G-A.
Other names: c.160C>T (NM_001130089.1); c.160C>T, p.Arg54Cys (NM_001130089.2); c.-393C>T (NM_001378148.1); short protein forms R26C, R54C.
Identifiers: ClinVar variation 1682456 (VCV001682456.8), dbSNP rs748756102, ClinGen allele CA8177750.